The following is an entry in ClinVar:

ClinVar aggregate classification (germline): Benign (1 of 4 stars; one submission).

Conditions:
Multiple cutaneous and mucosal venous malformations (VMCM). Also called: TEK-Related Multiple Cutaneous and Mucosal Venous Malformations (VMCM). Identifiers: Orphanet 2451, MedGen C1838437, MONDO:0010842, OMIM 600195.

Allele frequency attached by ClinVar (database versions not stated): gnomAD 0.00007 and 0.00006; ExAC 0.00003; TOPMed 0.00005; gnomAD exomes 0.00002.
gnomAD v4.1: 89 of 1,613,372 alleles (0.0055%); highest among the groups gnomAD compares: East Asian, 0.033%; no homozygotes.

Submission:

Illumina Laboratory Services, Illumina
Classification: Benign for Multiple cutaneous and mucosal venous malformations. Last evaluated: 2018-01-12. Review status: criteria provided, single submitter. Criteria: ICSL Variant Classification Criteria 13 December 2019. Collection method: clinical testing. Allele origin: germline.
Comment: This variant was observed in the ICSL laboratory as part of a predisposition screen in an ostensibly healthy population. It had not been previously curated by ICSL or reported in the Human Gene Mutation Database (HGMD: prior to June 1st, 2018), and was therefore a candidate for classification through an automated scoring system. Utilizing variant allele frequency, disease prevalence and penetrance estimates, and inheritance mode, an automated score was calculated to assess if this variant is too frequent to cause the disease. Based on the score and internal cut-off values, a variant classified as benign is not then subjected to further curation. The score for this variant resulted in a classification of benign for this disease.

NM_000459.5(TEK):c.3104-15C>G

Gene: TEK (TEK receptor tyrosine kinase; plus strand). Cytogenetic location: 9p21.2.
Variant type: single nucleotide variant.
Coding change: c.3104-15C>G on transcript NM_000459.5 (MANE Select); 15 bases into the intron before coding-DNA position 3104, C replaced by G.
Molecular consequence: intron variant.
Genome position (GRCh38, 1-based): chr9:27,220,034, C>G. VCF-style: chr9-27220034-C-G. GRCh37 (hg19) VCF-style: chr9-27220032-C-G.
Other names: c.2975-15C>G (NM_001290077.2); c.2660-15C>G (NM_001290078.2); c.3101-15C>G (NM_001375475.1); c.2972-15C>G (NM_001375476.1).
Identifiers: ClinVar variation 366449 (VCV000366449.5), dbSNP rs766232720, ClinGen allele CA5016742.